The following is an entry in ClinVar:

NM_001194.4(HCN2):c.927G>A (p.Glu309=)

Genes: HCN2 (hyperpolarization activated cyclic nucleotide gated potassium and sodium channel 2; plus strand), LOC129391015 (MPRA-validated peak3211 silencer; plus strand). Cytogenetic location: 19p13.3.
Variant type: single nucleotide variant.
Coding change: c.927G>A on transcript NM_001194.4 (MANE Select); coding-DNA position 927, G replaced by A.
Protein change: p.Glu309=; no amino-acid change (glutamic acid 309 retained).
Molecular consequence: synonymous variant.
Genome position (GRCh38, 1-based): chr19:603,838, G>A. VCF-style: chr19-603838-G-A. GRCh37 (hg19) VCF-style: chr19-603838-G-A.
Identifiers: ClinVar variation 3352693 (VCV003352693.2).

ClinVar aggregate classification (germline): Likely benign. Review status: criteria provided, single submitter (1 of 4 stars). 2 submissions from 2 submitters: Likely benign (1). 1 of the submissions does not count toward it. Last evaluated 2024-10-14.

Conditions:
HCN2-related disorder. Also called: HCN2-related condition.

Submissions (2):

Blueprint Genetics
Classification: Likely benign. Last evaluated: 2024-10-14. Review status: criteria provided, single submitter. Criteria: ACMG Guidelines, 2015. Collection method: clinical testing. Allele origin: germline.

PreventionGenetics, part of Exact Sciences
Classification: Likely benign for HCN2-related condition. Last evaluated: 2024-05-08. Review status: no assertion criteria provided. Collection method: clinical testing. Allele origin: germline. Not counted in ClinVar's aggregate classification.
Comment: This variant is classified as likely benign based on ACMG/AMP sequence variant interpretation guidelines (Richards et al. 2015 PMID: 25741868, with internal and published modifications).